The following is an entry in ClinVar:

NM_005560.6(LAMA5):c.6915G>A (p.Ser2305=)

Gene: LAMA5 (laminin subunit alpha 5; minus strand). Cytogenetic location: 20q13.33.
Variant type: single nucleotide variant.
Coding change: c.6915G>A on transcript NM_005560.6 (MANE Select); coding-DNA position 6915, G replaced by A.
Protein change: p.Ser2305=; no amino-acid change (serine 2305 retained).
Molecular consequence: synonymous variant.
Genome position (GRCh38, 1-based): chr20:62,318,970, C>T on the plus strand (G>A on the coding strand, the complement: LAMA5 is on the minus strand). VCF-style: chr20-62318970-C-T. GRCh37 (hg19) VCF-style: chr20-60894026-C-T.
Other names: c.6915G>A (NM_005560.4).
Identifiers: ClinVar variation 2652482 (VCV002652482.25), dbSNP rs368917854, ClinGen allele CA9941498.

ClinVar aggregate classification (germline): Likely benign. Review status: criteria provided, single submitter (1 of 4 stars). 2 submissions from 2 submitters: Likely benign (1). 1 of the submissions does not count toward it. Last evaluated 2023-03-01.

Conditions:
LAMA5-related disorder. Also called: LAMA5-Related Disorders; LAMA5-related condition.

Allele frequency attached by ClinVar (database versions not stated): TOPMed 0.00006; ExAC 0.00007; ESP Exome Variant Server 0.00008; gnomAD 0.00008; 1000 Genomes Project 30x 0.00031.
gnomAD v4.1: 192 of 1,594,258 alleles (0.012%); highest among the groups gnomAD compares: Middle Eastern, 0.017%; no homozygotes.

Submissions (2):

CeGaT Center for Human Genetics Tuebingen
Classification: Likely benign. Last evaluated: 2023-03-01. Review status: criteria provided, single submitter. Criteria: CeGaT Center For Human Genetics Tuebingen Variant Classification Criteria Version 2. Collection method: clinical testing. Allele origin: germline. Affected: yes. Observed: 1 variant allele.
Comment: LAMA5: BP7

PreventionGenetics, part of Exact Sciences
Classification: Likely benign for LAMA5-related condition. Last evaluated: 2022-05-24. Review status: no assertion criteria provided. Collection method: clinical testing. Allele origin: germline. Not counted in ClinVar's aggregate classification.
Comment: This variant is classified as likely benign based on ACMG/AMP sequence variant interpretation guidelines (Richards et al. 2015 PMID: 25741868, with internal and published modifications).